The following is an entry in ClinVar:

NM_032043.3(BRIP1):c.3280T>C (p.Cys1094Arg)

Gene: BRIP1 (BRCA1 interacting DNA helicase 1; minus strand). Cytogenetic location: 17q23.2.
Variant type: single nucleotide variant.
Coding change: c.3280T>C on transcript NM_032043.3 (MANE Select); coding-DNA position 3280, T replaced by C.
Protein change: p.Cys1094Arg; replaces cysteine 1094 with arginine.
Molecular consequence: missense variant.
Genome position (GRCh38, 1-based): chr17:61,683,766, A>G on the plus strand (T>C on the coding strand, the complement: BRIP1 is on the minus strand). VCF-style: chr17-61683766-A-G. GRCh37 (hg19) VCF-style: chr17-59761127-A-G.
Other names: short protein forms C1094R.
Identifiers: ClinVar variation 1729735 (VCV001729735.4), dbSNP rs2144081862, ClinGen allele CA400479069.

ClinVar aggregate classification (germline): Uncertain significance. Review status: criteria provided, multiple submitters, no conflicts (2 of 4 stars). 2 submissions from 2 submitters: Uncertain significance (2). Last evaluated 2024-03-06.

Conditions:
Hereditary cancer-predisposing syndrome. Also called: Neoplastic Syndromes, Hereditary; Tumor predisposition; Hereditary Cancer Syndrome; Hereditary neoplastic syndrome. Identifiers: Orphanet 140162, MedGen C0027672, MeSH D009386, MONDO:0015356.

Submissions (2):

Color Diagnostics, LLC DBA Color Health
Classification: Uncertain significance for Hereditary cancer-predisposing syndrome. Last evaluated: 2024-03-06. Review status: criteria provided, single submitter. Criteria: ACMG Guidelines, 2015. Collection method: clinical testing. Allele origin: germline.
Comment: This missense variant replaces cysteine with arginine at codon 1094 of the BRIP1 protein. Computational prediction suggests that this variant may not impact protein structure and function (internally defined REVEL score threshold <= 0.5, PMID: 27666373). To our knowledge, functional studies have not been reported for this variant. This variant has not been reported in individuals affected with hereditary cancer in the literature. This variant has not been identified in the general population by the Genome Aggregation Database (gnomAD). The available evidence is insufficient to determine the role of this variant in disease conclusively. Therefore, this variant is classified as a Variant of Uncertain Significance.

Ambry Genetics
Classification: Uncertain significance for Hereditary cancer-predisposing syndrome. Last evaluated: 2016-11-04. Review status: criteria provided, single submitter. Criteria: Ambry Variant Classification Scheme 2023. Collection method: clinical testing. Allele origin: germline.
Comment: The p.C1094R variant (also known as c.3280T>C), located in coding exon 19 of the BRIP1 gene, results from a T to C substitution at nucleotide position 3280. The cysteine at codon 1094 is replaced by arginine, an amino acid with highly dissimilar properties. This variant was not reported in population based cohorts in the following databases: Database of Single Nucleotide Polymorphisms (dbSNP), NHLBI Exome Sequencing Project (ESP), and 1000 Genomes Project. In the ESP, this variant was not observed in 6503 samples (13006 alleles) with coverage at this position. To date, this alteration has been detected with an allele frequency of approximately 0.001% (greater than 175000 alleles tested) in our clinical cohort. This amino acid position is not well conserved in available vertebrate species. In addition, this alteration is predicted to be tolerated by in silico analysis. Since supporting evidence is limited at this time, the clinical significance of this alteration remains unclear.